The following is an entry in ClinVar:

ClinVar aggregate classification (germline): Uncertain significance (1 of 4 stars; one submission).

Submission:

Labcorp Genetics (formerly Invitae), Labcorp
Classification: Uncertain significance. Last evaluated: 2023-10-06. Review status: criteria provided, single submitter. Criteria: Invitae Variant Classification Sherloc (09022015). Collection method: clinical testing. Allele origin: germline.
Comment: This sequence change replaces phenylalanine, which is neutral and non-polar, with serine, which is neutral and polar, at codon 523 of the NARS1 protein (p.Phe523Ser). This variant is not present in population databases (gnomAD no frequency). This variant has not been reported in the literature in individuals affected with NARS1-related conditions. An algorithm developed to predict the effect of missense changes on protein structure and function (PolyPhen-2) suggests that this variant is likely to be disruptive. In summary, the available evidence is currently insufficient to determine the role of this variant in disease. Therefore, it has been classified as a Variant of Uncertain Significance.

NM_004539.4(NARS1):c.1568T>C (p.Phe523Ser)

Gene: NARS1 (asparaginyl-tRNA synthetase 1; minus strand). Cytogenetic location: 18q21.31.
Variant type: single nucleotide variant.
Coding change: c.1568T>C on transcript NM_004539.4 (MANE Select); coding-DNA position 1568, T replaced by C.
Protein change: p.Phe523Ser; replaces phenylalanine 523 with serine.
Molecular consequence: missense variant.
Genome position (GRCh38, 1-based): chr18:57,601,731, A>G on the plus strand (T>C on the coding strand, the complement: NARS1 is on the minus strand). VCF-style: chr18-57601731-A-G. GRCh37 (hg19) VCF-style: chr18-55268963-A-G.
Other names: short protein forms F523S.
Identifiers: ClinVar variation 2766578 (VCV002766578.3), dbSNP rs2511565386, ClinGen allele CA402542712.